The following is an entry in ClinVar:

NM_053025.4(MYLK):c.686G>A (p.Gly229Glu)

Gene: MYLK (myosin light chain kinase; minus strand). Cytogenetic location: 3q21.1.
Variant type: single nucleotide variant.
Coding change: c.686G>A on transcript NM_053025.4 (MANE Select); coding-DNA position 686, G replaced by A.
Protein change: p.Gly229Glu; replaces glycine 229 with glutamic acid.
Molecular consequence: missense variant.
Genome position (GRCh38, 1-based): chr3:123,737,446, C>T on the plus strand (G>A on the coding strand, the complement: MYLK is on the minus strand). VCF-style: chr3-123737446-C-T. GRCh37 (hg19) VCF-style: chr3-123456293-C-T.
Other names: c.158G>A, p.Gly53Glu (NM_001321309.2); c.686G>A, p.Gly229Glu (NM_053026.4, NM_053027.4, NM_053028.4); short protein forms G229E, G53E.
Identifiers: ClinVar variation 640030 (VCV000640030.8), dbSNP rs775485777, ClinGen allele CA073455.

ClinVar aggregate classification (germline): Uncertain significance (1 of 4 stars; one submission).

Conditions:
Aortic aneurysm, familial thoracic 7 (AAT7). Also called: AORTIC DISSECTION, FAMILIAL, WITH OR WITHOUT AORTIC ANEURYSM. Identifiers: MedGen C3151077, MONDO:0013418, OMIM 613780.

Allele frequency attached by ClinVar (database versions not stated): gnomAD exomes below 0.00001 and 0.00002; TOPMed below 0.00001; ExAC 0.00002.
gnomAD v4.1: 7 of 1,614,208 alleles (0.00043%); highest among the groups gnomAD compares: Non-Finnish European, 0.00051%; no homozygotes.

Submission:

Labcorp Genetics (formerly Invitae), Labcorp
Classification: Uncertain significance for Aortic aneurysm, familial thoracic 7. Last evaluated: 2022-08-15. Review status: criteria provided, single submitter. Criteria: Invitae Variant Classification Sherloc (09022015). Collection method: clinical testing. Allele origin: germline.
Comment: This variant has not been reported in the literature in individuals affected with MYLK-related conditions. This variant is present in population databases (rs775485777, gnomAD 0.004%). This sequence change replaces glycine, which is neutral and non-polar, with glutamic acid, which is acidic and polar, at codon 229 of the MYLK protein (p.Gly229Glu). ClinVar contains an entry for this variant (Variation ID: 640030). In summary, the available evidence is currently insufficient to determine the role of this variant in disease. Therefore, it has been classified as a Variant of Uncertain Significance. Algorithms developed to predict the effect of missense changes on protein structure and function are either unavailable or do not agree on the potential impact of this missense change (SIFT: "Deleterious"; PolyPhen-2: "Benign"; Align-GVGD: "Class C65").